The following is an entry in ClinVar:

NM_000260.4(MYO7A):c.6264C>T (p.His2088=)

Gene: MYO7A (myosin VIIA; plus strand). Cytogenetic location: 11q13.5.
Variant type: single nucleotide variant.
Coding change: c.6264C>T on transcript NM_000260.4 (MANE Select); coding-DNA position 6264, C replaced by T.
Protein change: p.His2088=; no amino-acid change (histidine 2088 retained).
Molecular consequence: synonymous variant.
Genome position (GRCh38, 1-based): chr11:77,211,847, C>T. VCF-style: chr11-77211847-C-T. GRCh37 (hg19) VCF-style: chr11-76922892-C-T.
Other names: c.6150C>T, p.His2050= (NM_001127180.2); c.6117C>T, p.His2039= (NM_001369365.1).
Identifiers: ClinVar variation 504937 (VCV000504937.17), dbSNP rs188278264, ClinGen allele CA6198983.

ClinVar aggregate classification (germline): Likely benign. Review status: criteria provided, multiple submitters, no conflicts (2 of 4 stars). 6 submissions from 6 submitters: Likely benign (4). 2 of the submissions do not count toward it. Last evaluated 2024-11-26.

Conditions:
MYO7A-related disorder. Also called: MYO7A-related disorders.

Allele frequency attached by ClinVar (database versions not stated): gnomAD 0.00002 and 0.00003; TOPMed 0.00003; ExAC 0.00004; gnomAD exomes 0.00005; 1000 Genomes Project 0.00020; 1000 Genomes Project 30x 0.00031.
gnomAD v4.1: 62 of 1,613,930 alleles (0.0038%); highest among the groups gnomAD compares: Middle Eastern, 0.049%; no homozygotes.

Submissions (6):

Blueprint Genetics
Classification: Likely benign. Last evaluated: 2024-11-26. Review status: criteria provided, single submitter. Criteria: ACMG Guidelines, 2015. Collection method: clinical testing. Allele origin: germline.

PreventionGenetics, part of Exact Sciences
Classification: Likely benign for MYO7A-related condition. Last evaluated: 2024-10-18. Review status: criteria provided, single submitter. Criteria: ACMG Guidelines, 2015. Collection method: clinical testing. Allele origin: germline.
Comment: This variant is classified as likely benign based on ACMG/AMP sequence variant interpretation guidelines (Richards et al. 2015 PMID: 25741868, with internal and published modifications).

Labcorp Genetics (formerly Invitae), Labcorp
Classification: Likely benign. Last evaluated: 2024-08-20. Review status: criteria provided, single submitter. Criteria: Invitae Variant Classification Sherloc (09022015). Collection method: clinical testing. Allele origin: germline.

Laboratory for Molecular Medicine, Mass General Brigham Personalized Medicine
Classification: Likely benign. Last evaluated: 2016-05-05. Review status: criteria provided, single submitter. Criteria: LMM Criteria. Collection method: clinical testing. Allele origin: germline. Observed: 1 variant allele.
Comment: p.His2088His in exon 46 of MYO7A: This variant is not expected to have clinical significance because it does not alter an amino acid residue and is not located within the splice consensus sequence. It has been identified in 5/120452 of the total chromosomes across several populations by the Exome Aggregation Consortium (ExAC; dbSNP rs188278264).

Clinical Genetics DNA and cytogenetics Diagnostics Lab, Erasmus MC, Erasmus Medical Center
Classification: Likely benign. Review status: no assertion criteria provided. Collection method: clinical testing. Allele origin: germline. Affected: yes. Study: VKGL Data-share Consensus. Not counted in ClinVar's aggregate classification.

Clinical Genetics, Academic Medical Center
Classification: Likely benign. Review status: no assertion criteria provided. Collection method: clinical testing. Allele origin: germline. Affected: yes. Study: VKGL Data-share Consensus. Not counted in ClinVar's aggregate classification.